The following is an entry in ClinVar:

NM_006031.6(PCNT):c.4152G>A (p.Glu1384=)

Gene: PCNT (pericentrin; plus strand). Cytogenetic location: 21q22.3.
Variant type: single nucleotide variant.
Coding change: c.4152G>A on transcript NM_006031.6 (MANE Select); coding-DNA position 4152, G replaced by A.
Protein change: p.Glu1384=; no amino-acid change (glutamic acid 1384 retained).
Molecular consequence: synonymous variant.
Genome position (GRCh38, 1-based): chr21:46,391,312, G>A. VCF-style: chr21-46391312-G-A. GRCh37 (hg19) VCF-style: chr21-47811227-G-A.
Other names: c.3798G>A, p.Glu1266= (NM_001315529.2).
Identifiers: ClinVar variation 4981166 (VCV004981166.1).

ClinVar aggregate classification (germline): Likely benign (1 of 4 stars; one submission).

Conditions:
PCNT-related disorder. Also called: PCNT-related condition.

gnomAD v4.1: 1 of 1,567,532 alleles (0.000064%); highest among the groups gnomAD compares: Admixed American, 0.0019%; no homozygotes.

Submission:

PreventionGenetics, part of Exact Sciences
Classification: Likely benign for PCNT-related condition. Last evaluated: 2025-09-30. Review status: criteria provided, single submitter. Criteria: ACMG Guidelines, 2015. Collection method: clinical testing. Allele origin: germline.
Comment: This variant is classified as likely benign based on ACMG/AMP sequence variant interpretation guidelines (Richards et al. 2015 PMID: 25741868, with internal and published modifications).